The following is an entry in ClinVar:

ClinVar aggregate classification (germline): Benign/Likely benign. Review status: criteria provided, multiple submitters, no conflicts (2 of 4 stars). 6 submissions from 6 submitters: Benign (2); Likely benign (4). Last evaluated 2026-09-01.

Allele frequency attached by ClinVar (database versions not stated): 1000 Genomes Project 30x 0.00187; gnomAD 0.00218 and 0.00220; 1000 Genomes Project 0.00220; TOPMed 0.00245; gnomAD exomes 0.00269 and 0.00326; ESP Exome Variant Server 0.00280; ExAC 0.00363.
gnomAD v4.1: 5,066 of 1,599,192 alleles (0.32%); highest among the groups gnomAD compares: Middle Eastern, 0.88%; 13 homozygotes.

Submissions (6):

CeGaT Center for Human Genetics Tuebingen
Classification: Likely benign. Last evaluated: 2026-09-01. Review status: criteria provided, single submitter. Criteria: CeGaT Center For Human Genetics Tuebingen Variant Classification Criteria Version 2. Collection method: clinical testing. Allele origin: germline. Affected: yes. Observed: 8 variant alleles.
Comment: CCDC88C: BP4, BP7, BS2

Women's Health and Genetics/Laboratory Corporation of America, LabCorp
Classification: Benign. Last evaluated: 2026-05-21. Review status: criteria provided, single submitter. Criteria: LabCorp Variant Classification Summary - May 2015. Collection method: clinical testing. Allele origin: germline.

Labcorp Genetics (formerly Invitae), Labcorp
Classification: Benign. Last evaluated: 2026-01-31. Review status: criteria provided, single submitter. Criteria: Invitae Variant Classification Sherloc (09022015). Collection method: clinical testing. Allele origin: germline.

Blueprint Genetics
Classification: Likely benign. Last evaluated: 2024-11-19. Review status: criteria provided, single submitter. Criteria: ACMG Guidelines, 2015. Collection method: clinical testing. Allele origin: germline.

Athena Diagnostics
Classification: Likely benign. Last evaluated: 2017-06-07. Review status: criteria provided, single submitter. Criteria: Athena Diagnostics Criteria. Collection method: clinical testing. Allele origin: germline.

Breakthrough Genomics
Classification: Likely benign. Review status: criteria provided, single submitter. Criteria: ACMG Guidelines, 2015. Collection method: not provided. Allele origin: germline. Inheritance: Autosomal recessive inheritance. Affected: yes.

NM_001080414.4(CCDC88C):c.4707G>A (p.Arg1569=)

Gene: CCDC88C (coiled-coil and HOOK domain protein 88C; minus strand). Cytogenetic location: 14q32.11.
Variant type: single nucleotide variant.
Coding change: c.4707G>A on transcript NM_001080414.4 (MANE Select); coding-DNA position 4707, G replaced by A.
Protein change: p.Arg1569=; no amino-acid change (arginine 1569 retained).
Molecular consequence: synonymous variant.
Genome position (GRCh38, 1-based): chr14:91,279,299, C>T on the plus strand (G>A on the coding strand, the complement: CCDC88C is on the minus strand). VCF-style: chr14-91279299-C-T. GRCh37 (hg19) VCF-style: chr14-91745643-C-T.
Identifiers: ClinVar variation 447021 (VCV000447021.36), dbSNP rs145210051, ClinGen allele CA7308861.
Genomic context (GRCh38, chr14:91,279,299, plus strand): 5'-TTTTAGGTTAAGAGGTGAGCTGTTGCTGGATGTGTTTCTACTGCTCTCTAAGCTACTTGG[C>T]CGCGACACTGAAAGGAAATGGCAGTGTTAAAATTAAAAAGCCAATGACCAGGTATATCCC-3'
Protein context (NP_001073883.2, residues 1559-1579): EVPNHRQYVS[Arg1569=]PSSLESSRNT